The following is an entry in ClinVar:

NM_018429.3(BDP1):c.4671C>A (p.Phe1557Leu)

Gene: BDP1 (BDP1 general transcription factor IIIB subunit; plus strand). Cytogenetic location: 5q13.2.
Variant type: single nucleotide variant.
Coding change: c.4671C>A on transcript NM_018429.3 (MANE Select); coding-DNA position 4671, C replaced by A.
Protein change: p.Phe1557Leu; replaces phenylalanine 1557 with leucine.
Molecular consequence: missense variant.
Genome position (GRCh38, 1-based): chr5:71,516,082, C>A. VCF-style: chr5-71516082-C-A. GRCh37 (hg19) VCF-style: chr5-70811909-C-A.
Other names: c.4671C>A (NM_018429.2); short protein forms F1557L.
Identifiers: ClinVar variation 2578979 (VCV002578979.27), dbSNP rs200647339, ClinGen allele CA3296760.

ClinVar aggregate classification (germline): Likely benign. Review status: criteria provided, multiple submitters, no conflicts (2 of 4 stars). 3 submissions from 3 submitters: Likely benign (2). 1 of the submissions does not count toward it. Last evaluated 2024-10-24.

Conditions:
BDP1-related disorder. Also called: BDP1-related condition.

Allele frequency attached by ClinVar (database versions not stated): 1000 Genomes Project 0.00120; 1000 Genomes Project 30x 0.00125; TOPMed 0.00345; ESP Exome Variant Server 0.00362; gnomAD 0.00422; gnomAD exomes 0.00549; ExAC 0.00627.

Submissions (3):

Blueprint Genetics
Classification: Likely benign. Last evaluated: 2024-10-24. Review status: criteria provided, single submitter. Criteria: ACMG Guidelines, 2015. Collection method: clinical testing. Allele origin: germline.

CeGaT Center for Human Genetics Tuebingen
Classification: Likely benign. Last evaluated: 2023-08-01. Review status: criteria provided, single submitter. Criteria: CeGaT Center For Human Genetics Tuebingen Variant Classification Criteria Version 2. Collection method: clinical testing. Allele origin: germline. Affected: yes. Observed: 5 variant alleles.
Comment: BDP1: BP4, BS2

PreventionGenetics, part of Exact Sciences
Classification: Likely benign for BDP1-related condition. Last evaluated: 2019-11-08. Review status: no assertion criteria provided. Collection method: clinical testing. Allele origin: germline. Not counted in ClinVar's aggregate classification.
Comment: This variant is classified as likely benign based on ACMG/AMP sequence variant interpretation guidelines (Richards et al. 2015 PMID: 25741868, with internal and published modifications).